The following is an entry in ClinVar:

NM_005502.4(ABCA1):c.4768G>A (p.Val1590Ile)

Gene: ABCA1 (ATP binding cassette subfamily A member 1; minus strand). Cytogenetic location: 9q31.1.
Variant type: single nucleotide variant.
Coding change: c.4768G>A on transcript NM_005502.4 (MANE Select); coding-DNA position 4768, G replaced by A.
Protein change: p.Val1590Ile; replaces valine 1590 with isoleucine.
Molecular consequence: missense variant.
Genome position (GRCh38, 1-based): chr9:104,800,515, C>T on the plus strand (G>A on the coding strand, the complement: ABCA1 is on the minus strand). VCF-style: chr9-104800515-C-T. GRCh37 (hg19) VCF-style: chr9-107562796-C-T.
Other names: short protein forms V1590I.
Identifiers: ClinVar variation 4868536 (VCV004868536.1).

ClinVar aggregate classification (germline): Uncertain significance (1 of 4 stars; one submission).

Conditions:
Cardiovascular phenotype. Identifiers: MedGen CN230736.

gnomAD v4.1: 1 of 1,613,754 alleles (0.000062%); highest among the groups gnomAD compares: East Asian, 0.0022%; no homozygotes.

Submission:

Ambry Genetics
Classification: Uncertain significance for Cardiovascular phenotype. Last evaluated: 2026-04-30. Review status: criteria provided, single submitter. Criteria: Ambry Variant Classification Scheme 2023. Collection method: clinical testing. Allele origin: germline.
Comment: The p.V1590I variant (also known as c.4768G>A), located in coding exon 34 of the ABCA1 gene, results from a G to A substitution at nucleotide position 4768. The valine at codon 1590 is replaced by isoleucine, an amino acid with highly similar properties. This amino acid position is conserved. In addition, the in silico prediction for this alteration is inconclusive. Based on the available evidence, the clinical significance of this variant remains unclear.